The following is an entry in ClinVar:

NM_001142864.4(PIEZO1):c.1842C>G (p.Leu614=)

Genes: HSALR1 (HSP90AB1 associated lncRNA 1; plus strand), PIEZO1 (piezo type mechanosensitive ion channel component 1 (Er blood group); minus strand). Cytogenetic location: 16q24.3.
Variant type: single nucleotide variant.
Coding change: c.1842C>G on transcript NM_001142864.4 (MANE Select); coding-DNA position 1842, C replaced by G.
Protein change: p.Leu614=; no amino-acid change (leucine 614 retained).
Molecular consequence: synonymous variant.
Genome position (GRCh38, 1-based): chr16:88,734,881, G>C on the plus strand (C>G on the coding strand, the complement: PIEZO1 is on the minus strand). VCF-style: chr16-88734881-G-C. GRCh37 (hg19) VCF-style: chr16-88801289-G-C.
Other names: p.Leu614=; c.387C>G, p.Leu129= (NM_014745.1).
Identifiers: ClinVar variation 2175541 (VCV002175541.5), dbSNP rs1046127930, ClinGen allele CA286424816.

ClinVar aggregate classification (germline): Likely benign. Review status: criteria provided, multiple submitters, no conflicts (2 of 4 stars). 2 submissions from 2 submitters: Likely benign (2). Last evaluated 2025-11-29.

gnomAD v4.1: 45 of 1,550,244 alleles (0.0029%); highest among the groups gnomAD compares: East Asian, 0.022%; no homozygotes.

Submissions (2):

Mayo Clinic Laboratories, Mayo Clinic
Classification: Likely benign. Last evaluated: 2025-11-29. Review status: criteria provided, single submitter. Criteria: ACMG Guidelines, 2015. Collection method: clinical testing. Allele origin: germline. Observed: 1 variant allele.
Comment: BP4, BP7

Labcorp Genetics (formerly Invitae), Labcorp
Classification: Likely benign. Last evaluated: 2024-10-30. Review status: criteria provided, single submitter. Criteria: Invitae Variant Classification Sherloc (09022015). Collection method: clinical testing. Allele origin: germline.